The following is an entry in ClinVar:

ClinVar aggregate classification (germline): Pathogenic (1 of 4 stars; one submission).

Conditions:
Familial cancer of breast. Also called: Hereditary breast cancer; BREAST CANCER, FAMILIAL; hereditary breast carcinoma. Identifiers: Orphanet 227535, MedGen C0346153, MONDO:0016419, OMIM 114480. Disease mechanism: loss of function.

Submission:

Myriad Genetics, Inc.
Classification: Pathogenic for Familial cancer of breast. Last evaluated: 2022-12-29. Review status: criteria provided, single submitter. Criteria: Myriad Autosomal Dominant, Autosomal Recessive and X-Linked Classification Criteria (2023). Collection method: clinical testing. Allele origin: unknown.
Comment: This variant is considered pathogenic. This variant creates a frameshift predicted to result in premature protein truncation.

NM_007194.4(CHEK2):c.456del (p.Asn154fs)

Gene: CHEK2 (checkpoint kinase 2; minus strand). Cytogenetic location: 22q12.1.
Variant type: Deletion.
Coding change: c.456del on transcript NM_007194.4 (MANE Select); coding-DNA position 456, one base deleted (T; older notation c.456delT).
Protein change: p.Asn154fs; shifts the reading frame from asparagine 154.
Molecular consequence: frameshift variant. On other transcripts: intron variant (1), 5 prime UTR variant (2).
Genome position (GRCh38, 1-based): chr22:28,725,113, A deleted on the plus strand (T on the coding strand, the reverse complement: CHEK2 is on the minus strand). VCF-style (leftmost placement, unchanged base first): chr22-28725112-TA-T. GRCh37 (hg19) VCF-style: chr22-29121100-TA-T.
Other names: c.456del, p.Asn154fs (NM_145862.3); c.444+130del (NM_001349956.3); c.585del, p.Asn197fs (NM_001005735.3, NM_001438294.1); c.-322del (NM_001257387.3); c.-208del (NM_001437942.1); c.549del, p.Asn185fs (NM_001438293.1, NM_001438295.1); short protein forms N154fs, N197fs, N185fs.
Identifiers: ClinVar variation 2431306 (VCV002431306.1), dbSNP rs2518054874, ClinGen allele CA2580099476.